The following is an entry in ClinVar:

NM_001032283.3(TMPO):c.497C>G (p.Ser166Cys)

Gene: TMPO (thymopoietin; plus strand). Cytogenetic location: 12q23.1.
Variant type: single nucleotide variant.
Coding change: c.497C>G on transcript NM_001032283.3 (MANE Select); coding-DNA position 497, C replaced by G.
Protein change: p.Ser166Cys; replaces serine 166 with cysteine.
Molecular consequence: missense variant.
Genome position (GRCh38, 1-based): chr12:98,531,770, C>G. VCF-style: chr12-98531770-C-G. GRCh37 (hg19) VCF-style: chr12-98925548-C-G.
Other names: c.497C>G, p.Ser166Cys (NM_001032284.3, NM_001307975.2, NM_003276.2); short protein forms S166C.
Identifiers: ClinVar variation 519141 (VCV000519141.5), dbSNP rs147012167, ClinGen allele CA386151169.

ClinVar aggregate classification (germline): Uncertain significance (1 of 4 stars; one submission).

Submission:

Ambry Genetics
Classification: Uncertain significance. Last evaluated: 2016-11-30. Review status: criteria provided, single submitter. Criteria: Ambry Variant Classification Scheme 2023. Collection method: clinical testing. Allele origin: germline.
Comment: The p.S166C variant (also known as c.497C>G), located in coding exon 3 of the TMPO gene, results from a C to G substitution at nucleotide position 497. The serine at codon 166 is replaced by cysteine, an amino acid with dissimilar properties. This amino acid position is well conserved in available vertebrate species. In addition, this alteration is predicted to be tolerated by in silico analysis. Since supporting evidence is limited at this time, the clinical significance of this alteration remains unclear.